The following is an entry in ClinVar:

ClinVar aggregate classification (germline): Pathogenic (1 of 4 stars; one submission).

Conditions:
Hereditary breast ovarian cancer syndrome. Also called: Hereditary breast and ovarian cancer; Hereditary breast and ovarian cancer syndrome (HBOC); Breast and ovarian cancer; Hereditary breast and/or ovarian cancer syndrome; Hereditary breast and ovarian cancer syndrome; BRCA1- and BRCA2-Associated Hereditary Breast and Ovarian Cancer. Identifiers: Orphanet 145, MedGen C0677776, MeSH D061325, MONDO:0003582. Disease mechanism: loss of function.

Submission:

Labcorp Genetics (formerly Invitae), Labcorp
Classification: Pathogenic for Hereditary breast ovarian cancer syndrome. Last evaluated: 2023-10-22. Review status: criteria provided, single submitter. Criteria: Invitae Variant Classification Sherloc (09022015). Collection method: clinical testing. Allele origin: germline.
Comment: This sequence change creates a premature translational stop signal (p.Ser1434Metfs*22) in the BRCA1 gene. It is expected to result in an absent or disrupted protein product. Loss-of-function variants in BRCA1 are known to be pathogenic (PMID: 20104584). This variant is not present in population databases (gnomAD no frequency). This premature translational stop signal has been observed in individual(s) with ovarian cancer (PMID: 31263571). For these reasons, this variant has been classified as Pathogenic.

Literature cited by the submitters: PubMed 20104584; PubMed 31263571.

NM_007294.4(BRCA1):c.4301del (p.Ser1434fs)

Gene: BRCA1 (BRCA1 DNA repair associated; minus strand). Cytogenetic location: 17q21.31.
Variant type: Deletion.
Coding change: c.4301del on transcript NM_007294.4 (MANE Select); coding-DNA position 4301, one base deleted (G; older notation c.4301delG).
Protein change: p.Ser1434fs; shifts the reading frame from serine 1434.
Molecular consequence: frameshift variant. On other transcripts: non-coding transcript variant (1).
Genome position (GRCh38, 1-based): chr17:43,082,460, C deleted on the plus strand (G on the coding strand, the reverse complement: BRCA1 is on the minus strand). VCF-style (leftmost placement, unchanged base first): chr17-43082459-AC-A. GRCh37 (hg19) VCF-style: chr17-41234476-AC-A.
Other names: c.4088delG, p.Ser1363Metfs (NM_001407571.1, NM_001407853.1, NM_001407894.1 and 12 more transcripts); c.4301delG, p.Ser1434Metfs (NM_001407581.1, NM_001407582.1, NM_001407583.1 and 22 more transcripts); c.4298delG, p.Ser1433Metfs (NM_001407587.1, NM_001407590.1, NM_001407591.1 and 21 more transcripts); c.4295delG, p.Ser1432Metfs (NM_001407627.1, NM_001407628.1, NM_001407629.1 and 5 more transcripts); c.4289delG, p.Ser1430Metfs (NM_001407646.1, NM_001407647.1); c.4178delG, p.Ser1393Metfs (NM_001407648.1, NM_001407664.1, NM_001407665.1 and 13 more transcripts); c.4175delG, p.Ser1392Metfs (NM_001407649.1, NM_001407670.1, NM_001407671.1 and 12 more transcripts); c.4223delG, p.Ser1408Metfs (NM_001407653.1, NM_001407654.1, NM_001407655.1 and 2 more transcripts); and 54 more; short protein forms S1387fs, S1434fs, S331fs.
Identifiers: ClinVar variation 2982381 (VCV002982381.3), dbSNP rs2551900916, ClinGen allele CA2499224423.